The following is an entry in ClinVar:

ClinVar aggregate classification (germline): Likely pathogenic (1 of 4 stars; one submission).

Allele frequency attached by ClinVar (database versions not stated): gnomAD 0.00001; TOPMed below 0.00001.
gnomAD v4.1: 4 of 1,611,936 alleles (0.00025%); highest among the groups gnomAD compares: Non-Finnish European, 0.00034%; no homozygotes.

Submission:

GeneDx
Classification: Likely pathogenic. Last evaluated: 2023-05-02. Review status: criteria provided, single submitter. Criteria: GeneDx Variant Classification Process June 2021. Collection method: clinical testing. Allele origin: germline.
Comment: Not observed at significant frequency in large population cohorts (gnomAD); In silico analysis supports that this missense variant has a deleterious effect on protein structure/function; Has not been previously published as pathogenic or benign to our knowledge

NM_016239.4(MYO15A):c.1445G>A (p.Arg482Gln)

Gene: MYO15A (myosin XVA; plus strand). Cytogenetic location: 17p11.2.
Variant type: single nucleotide variant.
Coding change: c.1445G>A on transcript NM_016239.4 (MANE Select); coding-DNA position 1445, G replaced by A.
Protein change: p.Arg482Gln; replaces arginine 482 with glutamine.
Molecular consequence: missense variant.
Genome position (GRCh38, 1-based): chr17:18,120,245, G>A. VCF-style: chr17-18120245-G-A. GRCh37 (hg19) VCF-style: chr17-18023559-G-A.
Other names: short protein forms R482Q.
Identifiers: ClinVar variation 2446160 (VCV002446160.2), dbSNP rs1263068319, ClinGen allele CA398579352.